The following is an entry in ClinVar:

ClinVar aggregate classification (germline): Pathogenic (1 of 4 stars; one submission).

Conditions:
Ataxia-telangiectasia-like disorder (ATLD). Identifiers: MedGen C1858391, MONDO:0011457.

Submission:

Labcorp Genetics (formerly Invitae), Labcorp
Classification: Pathogenic for Ataxia-telangiectasia-like disorder. Last evaluated: 2023-08-09. Review status: criteria provided, single submitter. Criteria: Invitae Variant Classification Sherloc (09022015). Collection method: clinical testing. Allele origin: unknown.
Comment: For these reasons, this variant has been classified as Pathogenic. This variant has not been reported in the literature in individuals affected with MRE11-related conditions. This variant is a gross deletion of the genomic region encompassing exon(s) 4 of the MRE11 gene. This deletion is out-of-frame, and is expected to create a premature termination codon and result in an absent or disrupted protein product. Loss-of-function variants in MRE11 are known to be pathogenic (PMID: 23080121, 23912341).

Literature cited by the submitters: PubMed 23080121; PubMed 23912341.

NC_000011.9:g.(?_94219080)_(94219260_?)del

Gene: MRE11 (MRE11 homolog, double strand break repair nuclease; minus strand). Cytogenetic location: 11q21.
Variant type: Deletion.
Identifiers: ClinVar variation 3244636 (VCV003244636.1).